The following is an entry in ClinVar:

NM_000574.5(CD55):c.663A>C (p.Arg221Ser)

Gene: CD55 (CD55 molecule (Cromer blood group); plus strand). Cytogenetic location: 1q32.2.
Variant type: single nucleotide variant.
Coding change: c.663A>C on transcript NM_000574.5 (MANE Select); coding-DNA position 663, A replaced by C.
Protein change: p.Arg221Ser; replaces arginine 221 with serine.
Molecular consequence: missense variant. On other transcripts: non-coding transcript variant (1).
Genome position (GRCh38, 1-based): chr1:207,326,836, A>C. VCF-style: chr1-207326836-A-C. GRCh37 (hg19) VCF-style: chr1-207500181-A-C.
Other names: c.663A>C, p.Arg221Ser (NM_001114752.3, NM_001300902.2, NM_001300903.2 and 1 more transcripts); c.663A>C (NM_000574.3); short protein forms R221S.
Identifiers: ClinVar variation 1385428 (VCV001385428.6), dbSNP rs2102385946, ClinGen allele CA344517112.

ClinVar aggregate classification (germline): Uncertain significance. Review status: criteria provided, multiple submitters, no conflicts (2 of 4 stars). 2 submissions from 2 submitters: Uncertain significance (2). Last evaluated 2025-06-29.

Conditions:
Inborn genetic diseases. Identifiers: MedGen C0950123, MeSH D030342.

Submissions (2):

Ambry Genetics
Classification: Uncertain significance for Inborn genetic diseases. Last evaluated: 2025-06-29. Review status: criteria provided, single submitter. Criteria: Ambry Variant Classification Scheme 2023. Collection method: clinical testing. Allele origin: germline.

Labcorp Genetics (formerly Invitae), Labcorp
Classification: Uncertain significance. Last evaluated: 2022-10-13. Review status: criteria provided, single submitter. Criteria: Invitae Variant Classification Sherloc (09022015). Collection method: clinical testing. Allele origin: germline.
Comment: This sequence change replaces arginine, which is basic and polar, with serine, which is neutral and polar, at codon 221 of the CD55 protein (p.Arg221Ser). This variant is not present in population databases (gnomAD no frequency). This variant has not been reported in the literature in individuals affected with CD55-related conditions. ClinVar contains an entry for this variant (Variation ID: 1385428). Algorithms developed to predict the effect of missense changes on protein structure and function (SIFT, PolyPhen-2, Align-GVGD) all suggest that this variant is likely to be tolerated. In summary, the available evidence is currently insufficient to determine the role of this variant in disease. Therefore, it has been classified as a Variant of Uncertain Significance.